The following is an entry in ClinVar:

ClinVar aggregate classification (germline): Pathogenic/Likely pathogenic. Review status: criteria provided, multiple submitters, no conflicts (2 of 4 stars). 5 submissions from 5 submitters: Pathogenic (4); Likely pathogenic (1). Last evaluated 2025-10-07.

Conditions:
Mismatch repair cancer syndrome 4. Identifiers: MedGen C5436817, MONDO:0030843, OMIM 619101.
Hereditary cancer-predisposing syndrome. Also called: Tumor predisposition; Hereditary Cancer Syndrome; Neoplastic Syndromes, Hereditary; Hereditary neoplastic syndrome. Identifiers: Orphanet 140162, MedGen C0027672, MeSH D009386, MONDO:0015356.
Lynch syndrome 4 (LYNCH4). Also called: Hereditary non-polyposis colorectal cancer, type 4; Colorectal cancer, hereditary nonpolyposis, type 4. Identifiers: Orphanet 144, MedGen C1838333, MONDO:0013699, OMIM 614337. Disease mechanism: loss of function.
Hereditary nonpolyposis colorectal neoplasms. Identifiers: MedGen C0009405, MeSH D003123.

Submissions (5):

Labcorp Genetics (formerly Invitae), Labcorp
Classification: Pathogenic for Hereditary nonpolyposis colorectal neoplasms. Last evaluated: 2025-10-07. Review status: criteria provided, single submitter. Criteria: Invitae Variant Classification Sherloc (09022015). Collection method: clinical testing. Allele origin: germline.
Comment: This sequence change creates a premature translational stop signal (p.Gln638Lysfs*27) in the PMS2 gene. It is expected to result in an absent or disrupted protein product. Loss-of-function variants in PMS2 are known to be pathogenic (PMID: 21376568, 24362816). This variant is not present in population databases (gnomAD no frequency). This variant has not been reported in the literature in individuals affected with PMS2-related conditions. ClinVar contains an entry for this variant (Variation ID: 619889). For these reasons, this variant has been classified as Pathogenic.

Ambry Genetics
Classification: Pathogenic for Hereditary cancer-predisposing syndrome. Last evaluated: 2025-08-05. Review status: criteria provided, single submitter. Criteria: Ambry Variant Classification Scheme 2023. Collection method: clinical testing. Allele origin: germline.
Comment: The c.1912delC pathogenic mutation, located in coding exon 11 of the PMS2 gene, results from a deletion of one nucleotide at nucleotide position 1912, causing a translational frameshift with a predicted alternate stop codon (p.Q638Kfs*27). This variant is considered to be rare based on population cohorts in the Genome Aggregation Database (gnomAD). This alteration is expected to result in loss of function by premature protein truncation or nonsense-mediated mRNA decay. As such, this alteration is interpreted as a disease-causing mutation.

Myriad Genetics, Inc.
Classification: Pathogenic for Lynch syndrome 4. Last evaluated: 2023-09-21. Review status: criteria provided, single submitter. Criteria: Myriad Autosomal Dominant, Autosomal Recessive and X-Linked Classification Criteria (2023). Collection method: clinical testing. Allele origin: unknown.
Comment: This variant is considered pathogenic. This variant creates a frameshift predicted to result in premature protein truncation.

MGZ Medical Genetics Center
Classification: Likely pathogenic for Mismatch repair cancer syndrome 4. Last evaluated: 2021-07-16. Review status: criteria provided, single submitter. Criteria: ACMG Guidelines, 2015. Collection method: clinical testing. Allele origin: germline. Affected: yes. Observed: 1 variant allele.
Comment: ACMG criteria applied: PVS1, PM2_SUP

Quest Diagnostics Nichols Institute San Juan Capistrano
Classification: Pathogenic. Last evaluated: 2018-05-01. Review status: criteria provided, single submitter. Criteria: Quest Diagnostics criteria. Collection method: clinical testing. Allele origin: germline.

Literature cited by the submitters: PubMed 21376568 (cited by Labcorp Genetics (formerly Invitae), Labcorp); PubMed 24362816 (cited by Labcorp Genetics (formerly Invitae), Labcorp).

NM_000535.7(PMS2):c.1912del (p.Gln638fs)

Gene: PMS2 (PMS1 homolog 2, mismatch repair system component; minus strand). Cytogenetic location: 7p22.1.
Variant type: Deletion.
Coding change: c.1912del on transcript NM_000535.7 (MANE Select); coding-DNA position 1912, one base deleted (C; older notation c.1912delC).
Protein change: p.Gln638fs; shifts the reading frame from glutamine 638.
Molecular consequence: frameshift variant. On other transcripts: non-coding transcript variant (1).
Genome position (GRCh38, 1-based): chr7:5,986,853, G deleted on the plus strand (C on the coding strand, the reverse complement: PMS2 is on the minus strand). VCF-style (leftmost placement, unchanged base first): chr7-5986852-TG-T. GRCh37 (hg19) VCF-style: chr7-6026483-TG-T.
Other names: c.1507del, p.Gln503fs (NM_001322003.2, NM_001322004.2, NM_001322005.2 and 1 more transcripts); c.1756del, p.Gln586fs (NM_001322006.2); c.1594del, p.Gln532fs (NM_001322007.2, NM_001322008.2); c.1351del, p.Gln451fs (NM_001322010.2); c.979del, p.Gln327fs (NM_001322011.2, NM_001322012.2); c.1339del, p.Gln447fs (NM_001322013.2); c.1912del, p.Gln638fs (NM_001322014.2); c.1603del, p.Gln535fs (NM_001322015.2); short protein forms Q451fs, Q327fs, Q447fs, Q503fs, Q532fs, Q535fs, Q586fs, Q638fs.
Identifiers: ClinVar variation 619889 (VCV000619889.15), dbSNP rs1562626070, ClinGen allele CA913189365.
Genomic context (GRCh38, chr7:5,986,852, plus strand): 5'-TGATTTTCTCCAGGACAAATCTTTGCCCTAAACTTCCTGTAATTCTGTTCCCCTTCACTT[TG>T]CTGTGCTTCATGATGTAACTGCTTTATTCGTTTAGCTAAAGAACTCATAGAAAAGTCCAG-3'